The following is an entry in ClinVar:

ClinVar aggregate classification (germline): Benign. Review status: criteria provided, multiple submitters, no conflicts (2 of 4 stars). 3 submissions from 3 submitters: Benign (3). Last evaluated 2018-07-10.

Conditions:
Mucopolysaccharidosis type 6 (MPS6). Also called: ARSB DEFICIENCY; ARYLSULFATASE B DEFICIENCY; MPS VI; N-ACETYLGALACTOSAMINE-4-SULFATASE DEFICIENCY; MPS 6; Maroteaux Lamy syndrome. Identifiers: Orphanet 583, MedGen C0026709, MONDO:0009661, OMIM 253200.

Allele frequency attached by ClinVar (database versions not stated): gnomAD 0.03069 and 0.03289; 1000 Genomes Project 0.03355; 1000 Genomes Project 30x 0.03373; TOPMed 0.03483.
gnomAD v4.1: 6,444 of 663,358 alleles (0.97%); highest among the groups gnomAD compares: African/African-American, 10%; 317 homozygotes.

Submissions (3):

GeneDx
Classification: Benign. Last evaluated: 2018-07-10. Review status: criteria provided, single submitter. Criteria: GeneDx Variant Classification Process June 2021. Collection method: clinical testing. Allele origin: germline. Affected: yes.

Illumina Laboratory Services, Illumina
Classification: Benign for Mucopolysaccharidosis type 6. Last evaluated: 2018-01-13. Review status: criteria provided, single submitter. Criteria: ICSL Variant Classification Criteria 13 December 2019. Collection method: clinical testing. Allele origin: germline.
Comment: This variant was observed in the ICSL laboratory as part of a predisposition screen in an ostensibly healthy population. It had not been previously curated by ICSL or reported in the Human Gene Mutation Database (HGMD: prior to June 1st, 2018), and was therefore a candidate for classification through an automated scoring system. Utilizing variant allele frequency, disease prevalence and penetrance estimates, and inheritance mode, an automated score was calculated to assess if this variant is too frequent to cause the disease. Based on the score and internal cut-off values, a variant classified as benign is not then subjected to further curation. The score for this variant resulted in a classification of benign for this disease.

Breakthrough Genomics
Classification: Benign. Review status: criteria provided, single submitter. Criteria: ACMG Guidelines, 2015. Collection method: not provided. Allele origin: germline. Inheritance: Autosomal recessive inheritance. Affected: yes.

NM_000046.5(ARSB):c.*202A>G

Gene: ARSB (arylsulfatase B; minus strand). Cytogenetic location: 5q14.1.
Variant type: single nucleotide variant.
Coding change: c.*202A>G on transcript NM_000046.5 (MANE Select); 202 bases downstream of the stop codon, A replaced by G.
Molecular consequence: 3 prime UTR variant.
Genome position (GRCh38, 1-based): chr5:78,780,195, T>C on the plus strand (A>G on the coding strand, the complement: ARSB is on the minus strand). VCF-style: chr5-78780195-T-C. GRCh37 (hg19) VCF-style: chr5-78076018-T-C.
Identifiers: ClinVar variation 354301 (VCV000354301.8), dbSNP rs73770019, ClinGen allele CA10625073.